The following is an entry in ClinVar:

ClinVar aggregate classification (germline): Benign/Likely benign. Review status: criteria provided, multiple submitters, no conflicts (2 of 4 stars). 12 submissions from 9 submitters: Benign (7); Likely benign (5). Last evaluated 2026-02-25.

Conditions:
TTN-related disorder. Also called: TTN-related condition; TTN-related disease; TTN-related disorders.
Cardiovascular phenotype. Identifiers: MedGen CN230736.
Autosomal recessive limb-girdle muscular dystrophy type 2J (LGMDR10). Also called: Limb-girdle muscular dystrophy, type 2J; MUSCULAR DYSTROPHY, LIMB-GIRDLE, AUTOSOMAL RECESSIVE 10. Identifiers: Orphanet 140922, MedGen C1837342, MONDO:0012127, OMIM 608807.
Dilated cardiomyopathy 1G (CMD1G). Identifiers: Orphanet 154, MedGen C1858763, MONDO:0011400, OMIM 604145.
Cardiomyopathy (CMYO). Also called: Cardiomyopathies. Identifiers: Orphanet 167848, MedGen C0878544, MONDO:0004994, HP:0001638. Inheritance: Various modes of inheritance.
Early-onset myopathy with fatal cardiomyopathy (CMYO5). Also called: CONGENITAL MYOPATHY 5 WITH CARDIOMYOPATHY; Salih Myopathy. Identifiers: Orphanet 289377, MedGen C2673677, MONDO:0012714, OMIM 611705. Disease mechanism: loss of function.
Myopathy, myofibrillar, 9, with early respiratory failure (MFM9). Also called: Hereditary myopathy with early respiratory failure; MYOPATHY, PROXIMAL, WITH EARLY RESPIRATORY MUSCLE INVOLVEMENT; Myopathy, distal, with early respiratory failure, autosomal dominant; EDSTROM MYOPATHY. Identifiers: Orphanet 178464, Orphanet 34521, MedGen C1863599, MONDO:0011362, OMIM 603689.
Tibial muscular dystrophy (TMD). Also called: Tibial muscular dystrophy, tardive; UDD MYOPATHY; Udd Distal Myopathy – Tibial Muscular Dystrophy. Identifiers: Orphanet 609, MedGen C1838244, MONDO:0010870, OMIM 600334.

Allele frequency attached by ClinVar (database versions not stated): TOPMed 0.00006; gnomAD 0.00007; gnomAD exomes 0.00009; ESP Exome Variant Server 0.00015; ExAC 0.00018.
gnomAD v4.1: 138 of 1,613,960 alleles (0.0086%); highest among the groups gnomAD compares: East Asian, 0.011%; no homozygotes.

Submissions (12):

PreventionGenetics, part of Exact Sciences
Classification: Likely benign for TTN-related condition. Last evaluated: 2026-02-25. Review status: criteria provided, single submitter. Criteria: ACMG Guidelines, 2015. Collection method: clinical testing. Allele origin: germline.
Comment: This variant is classified as likely benign based on ACMG/AMP sequence variant interpretation guidelines (Richards et al. 2015 PMID: 25741868, with internal and published modifications).

Labcorp Genetics (formerly Invitae), Labcorp
Classification: Benign for Dilated cardiomyopathy 1G; Autosomal recessive limb-girdle muscular dystrophy type 2J. Last evaluated: 2026-01-05. Review status: criteria provided, single submitter. Criteria: Invitae Variant Classification Sherloc (09022015). Collection method: clinical testing. Allele origin: germline.

CeGaT Center for Human Genetics Tuebingen
Classification: Likely benign. Last evaluated: 2024-11-01. Review status: criteria provided, single submitter. Criteria: CeGaT Center For Human Genetics Tuebingen Variant Classification Criteria Version 2. Collection method: clinical testing. Allele origin: germline. Affected: yes. Observed: 4 variant alleles.
Comment: TTN: BP4, BP7

Genome-Nilou Lab
Classification: Benign for Autosomal recessive limb-girdle muscular dystrophy type 2J. Last evaluated: 2021-09-10. Review status: criteria provided, single submitter. Criteria: ACMG Guidelines, 2015. Collection method: clinical testing. Allele origin: germline. Affected: no.

Genome-Nilou Lab
Classification: Benign for Myopathy, myofibrillar, 9, with early respiratory failure. Last evaluated: 2021-09-10. Review status: criteria provided, single submitter. Criteria: ACMG Guidelines, 2015. Collection method: clinical testing. Allele origin: germline. Affected: no.

Genome-Nilou Lab
Classification: Benign for Early-onset myopathy with fatal cardiomyopathy. Last evaluated: 2021-09-10. Review status: criteria provided, single submitter. Criteria: ACMG Guidelines, 2015. Collection method: clinical testing. Allele origin: germline. Affected: no.

Genome-Nilou Lab
Classification: Benign for Tibial muscular dystrophy. Last evaluated: 2021-09-10. Review status: criteria provided, single submitter. Criteria: ACMG Guidelines, 2015. Collection method: clinical testing. Allele origin: germline. Affected: no.

Athena Diagnostics
Classification: Benign. Last evaluated: 2021-02-09. Review status: criteria provided, single submitter. Criteria: Athena Diagnostics criteria. Collection method: clinical testing. Allele origin: unknown.

GeneDx
Classification: Likely benign. Last evaluated: 2020-01-09. Review status: criteria provided, single submitter. Criteria: GeneDx Variant Classification Process June 2021. Collection method: clinical testing. Allele origin: germline. Affected: yes.

Ambry Genetics
Classification: Likely benign for Cardiovascular phenotype. Last evaluated: 2020-01-06. Review status: criteria provided, single submitter. Criteria: Ambry Variant Classification Scheme 2023. Collection method: clinical testing. Allele origin: germline.

CHEO Genetics Diagnostic Laboratory, Children's Hospital of Eastern Ontario
Classification: Benign for Cardiomyopathy. Last evaluated: 2018-01-02. Review status: criteria provided, single submitter. Criteria: ACMG Guidelines, 2015. Collection method: clinical testing. Allele origin: germline.

Laboratory for Molecular Medicine, Mass General Brigham Personalized Medicine
Classification: Likely benign. Last evaluated: 2012-03-19. Review status: criteria provided, single submitter. Criteria: LMM Criteria. Collection method: clinical testing. Allele origin: germline. Observed: 1 variant allele.
Comment: p.Ser187Ser in Exon 04 of TTN: This variant is not expected to have clinical sig nificance because it does not alter an amino acid residue, is not located within the splice consensus sequence. It has been identified in 2/7020 European Americ an chromosomes from a broad population by the NHLBI Exome Sequencing Project (dbSNP rs141444282).

NM_001267550.2(TTN):c.561G>A (p.Ser187=)

Gene: TTN (titin; minus strand). Cytogenetic location: 2q31.2.
Variant type: single nucleotide variant.
Coding change: c.561G>A on transcript NM_001267550.2 (MANE Select); coding-DNA position 561, G replaced by A.
Protein change: p.Ser187=; no amino-acid change (serine 187 retained).
Molecular consequence: synonymous variant.
Genome position (GRCh38, 1-based): chr2:178,800,417, C>T on the plus strand (G>A on the coding strand, the complement: TTN is on the minus strand). VCF-style: chr2-178800417-C-T. GRCh37 (hg19) VCF-style: chr2-179665144-C-T.
Other names: c.561G>A, p.Ser187= (NM_003319.4, NM_133379.5, NM_133432.3 and 3 more transcripts); c.561G>A (NM_001267550.1).
Identifiers: ClinVar variation 228121 (VCV000228121.55), dbSNP rs141444282, ClinGen allele CA2006304.